The following is an entry in ClinVar:

NM_000517.6(HBA2):c.242T>C (p.Leu81Pro)

Genes: HBA2 (hemoglobin subunit alpha 2; plus strand), LOC106804612 (hemoglobin subunit alpha 2 recombination region; plus strand). Cytogenetic location: 16p13.3.
Variant type: single nucleotide variant.
Coding change: c.242T>C on transcript NM_000517.6 (MANE Select); coding-DNA position 242, T replaced by C.
Protein change: p.Leu81Pro; replaces leucine 81 with proline.
Molecular consequence: missense variant.
Genome position (GRCh38, 1-based): chr16:173,271, T>C. VCF-style: chr16-173271-T-C. GRCh37 (hg19) VCF-style: chr16-223270-T-C.
Other names: short protein forms L81P.
Identifiers: ClinVar variation 3766515 (VCV003766515.1).
Genomic context (GRCh38, chr16:173,271, plus strand): 5'-AGAAGGTGGCCGACGCGCTGACCAACGCCGTGGCGCACGTGGACGACATGCCCAACGCGC[T>C]GTCCGCCCTGAGCGACCTGCACGCGCACAAGCTTCGGGTGGACCCGGTCAACTTCAAGGT-3'
Protein context (NP_000508.1, residues 71-91): VAHVDDMPNA[Leu81Pro]SALSDLHAHK

ClinVar aggregate classification (germline): Likely pathogenic (1 of 4 stars; one submission).

Submission:

ARUP Laboratories, Molecular Genetics and Genomics, ARUP Laboratories
Classification: Likely pathogenic. Last evaluated: 2024-03-18. Review status: criteria provided, single submitter. Criteria: ARUP Molecular Germline Variant Investigation Process 2024. Collection method: clinical testing. Allele origin: germline.
Comment: The Hb Robbinsdale variant (HBA2: c.242T>C; p.Leu81Pro, also known as Leu80Pro when numbered from the mature protein, HbVar ID: 3241) is reported in two heterozygous individuals with mild microcytosis and mild hypochromia (see HbVar database). This variant is absent from the Genome Aggregation Database (v2.1.1), indicating it is not a common polymorphism. Computational analyses predict that this variant is deleterious (REVEL: 0.894). Additionally, another variant at this codon (c.242T>G; p.Leu81Arg, Hb Ann Arbor, HbVar ID: 123) has been reported in individuals with hemolytic microcytic anemia (Adams 1972, Adams 1974, HbVar database). Based on available information, this variant is considered to be likely pathogenic. References: Link to HbVar database: Adams JG 3rd et al. Biosynthesis of hemoglobin Ann Arbor: evidence for catabolic and feedback regulation. Science. 1972 Jun 30;176(4042):1427-9. PMID: 5033650. Adams JG 3rd. Hemoglobin Ann Arbor: disturbance in the coordinated biosynthesis of globin chains? Ann N Y Acad Sci. 1974 Nov 29;241(0):232-41. PMID: 4530655.